The following is an entry in ClinVar:

NM_000051.4(ATM):c.966G>C (p.Glu322Asp)

Gene: ATM (ATM serine/threonine kinase; plus strand). Cytogenetic location: 11q22.3.
Variant type: single nucleotide variant.
Coding change: c.966G>C on transcript NM_000051.4 (MANE Select); coding-DNA position 966, G replaced by C.
Protein change: p.Glu322Asp; replaces glutamic acid 322 with aspartic acid.
Molecular consequence: missense variant.
Genome position (GRCh38, 1-based): chr11:108,247,028, G>C. VCF-style: chr11-108247028-G-C. GRCh37 (hg19) VCF-style: chr11-108117755-G-C.
Other names: c.966G>C, p.Glu322Asp (NM_001351834.2); short protein forms E322D.
Identifiers: ClinVar variation 1767739 (VCV001767739.4), dbSNP rs2135266459, ClinGen allele CA382531014.
Genomic context (GRCh38, chr11:108,247,028, plus strand): 5'-TTATGAATCAACAAAATGGAGAAGTATTTTATACAACTTATATGATCTGCTAGTGAATGA[G>C]ATAAGTCATATAGGAAGTAGAGGAAAGTATTCTTCAGGATTTCGTAATATTGCCGTCAAA-3'
Protein context (NP_000042.3, residues 312-332): LYNLYDLLVN[Glu322Asp]ISHIGSRGKY

ClinVar aggregate classification (germline): Uncertain significance. Review status: criteria provided, multiple submitters, no conflicts (2 of 4 stars). 2 submissions from 2 submitters: Uncertain significance (2). Last evaluated 2023-12-16.

Conditions:
Hereditary cancer-predisposing syndrome. Also called: Hereditary Cancer Syndrome; Hereditary neoplastic syndrome; Neoplastic Syndromes, Hereditary; Tumor predisposition. Identifiers: Orphanet 140162, MedGen C0027672, MeSH D009386, MONDO:0015356.

Submissions (2):

Ambry Genetics
Classification: Uncertain significance for Hereditary cancer-predisposing syndrome. Last evaluated: 2023-12-16. Review status: criteria provided, single submitter. Criteria: Ambry Variant Classification Scheme 2023. Collection method: clinical testing. Allele origin: germline.
Comment: The p.E322D variant (also known as c.966G>C), located in coding exon 7 of the ATM gene, results from a G to C substitution at nucleotide position 966. The glutamic acid at codon 322 is replaced by aspartic acid, an amino acid with highly similar properties. This amino acid position is highly conserved in available vertebrate species. In addition, the in silico prediction for this alteration is inconclusive. Since supporting evidence is limited at this time, the clinical significance of this alteration remains unclear.

Color Diagnostics, LLC DBA Color Health
Classification: Uncertain significance for Hereditary cancer-predisposing syndrome. Last evaluated: 2021-12-27. Review status: criteria provided, single submitter. Criteria: ACMG Guidelines, 2015. Collection method: clinical testing. Allele origin: germline.
Comment: This missense variant replaces glutamic acid with aspartic acid at codon 322 of the ATM protein. Computational prediction suggests that this variant may not impact protein structure and function (internally defined REVEL score threshold <= 0.5, PMID: 27666373). To our knowledge, functional studies have not been reported for this variant. This variant has not been reported in individuals affected with hereditary cancer in the literature. This variant has not been identified in the general population by the Genome Aggregation Database (gnomAD). The available evidence is insufficient to determine the role of this variant in disease conclusively. Therefore, this variant is classified as a Variant of Uncertain Significance.